The following is an entry in ClinVar:

ClinVar aggregate classification (germline): Uncertain significance (1 of 4 stars; one submission).

gnomAD v4.1: 1 of 1,613,466 alleles (0.000062%); highest among the groups gnomAD compares: Non-Finnish European, 0.000085%; no homozygotes.

Submission:

Women's Health and Genetics/Laboratory Corporation of America, LabCorp
Classification: Uncertain significance. Last evaluated: 2025-06-26. Review status: criteria provided, single submitter. Criteria: LabCorp Variant Classification Summary - May 2015. Collection method: clinical testing. Allele origin: germline.
Comment: Variant summary: TTN c.92285A>T (p.Lys30762Ile) results in a non-conservative amino acid change in the encoded protein sequence. Algorithms developed to predict the effect of missense changes on protein structure and function are either unavailable or do not agree on the potential impact of this missense change. The variant was absent in 247700 control chromosomes. The available data on variant occurrences in the general population are insufficient to allow any conclusion about variant significance. To our knowledge, no occurrence of c.92285A>T in individuals affected with Autosomal Recessive Titinopathy and no experimental evidence demonstrating its impact on protein function have been reported. No submitters have cited clinical-significance assessments for this variant to ClinVar. Based on the evidence outlined above, the variant was classified as uncertain significance.

NM_001267550.2(TTN):c.99989A>T (p.Lys33330Ile)

Genes: TTN (titin; minus strand), TTN-AS1 (TTN antisense RNA 1; plus strand), LOC126806420 (BRD4-independent group 4 enhancer GRCh37_chr2:179401104-179402303; plus strand). Cytogenetic location: 2q31.2.
Variant type: single nucleotide variant.
Coding change: c.99989A>T on transcript NM_001267550.2 (MANE Select); coding-DNA position 99989, A replaced by T.
Protein change: p.Lys33330Ile; replaces lysine 33330 with isoleucine.
Molecular consequence: missense variant.
Genome position (GRCh38, 1-based): chr2:178,537,120, T>A on the plus strand (A>T on the coding strand, the complement: TTN is on the minus strand). VCF-style: chr2-178537120-T-A. GRCh37 (hg19) VCF-style: chr2-179401847-T-A.
Other names: c.95066A>T, p.Lys31689Ile (NM_001256850.1); c.72794A>T, p.Lys24265Ile (NM_003319.4); c.92285A>T, p.Lys30762Ile (NM_133378.4); c.73169A>T, p.Lys24390Ile (NM_133432.3); c.73370A>T, p.Lys24457Ile (NM_133437.4); short protein forms K24265I, K24390I, K24457I, K30762I, K31689I, K33330I.
Identifiers: ClinVar variation 3907501 (VCV003907501.1).
Genomic context (GRCh38, chr2:178,537,120, plus strand): 5'-GTTGTCACTGAGATGGCTGAAGACACCAATTGCCATTCAGCCCCCTCCTTGGCCTCACAT[T>A]TTTCCACCACATAGTTGGTGATCCAGGAGCCTCCGTCATCTGCGGGTGGTTTCCAGCTGA-3'
Protein context (NP_001254479.2, residues 33320-33340): GSWITNYVVE[Lys33330Ile]CEAKEGAEWQ